The following is an entry in ClinVar:

ClinVar aggregate classification (germline): Uncertain significance (1 of 4 stars; one submission).

Conditions:
Inborn genetic diseases. Identifiers: MedGen C0950123, MeSH D030342.

Submission:

Ambry Genetics
Classification: Uncertain significance for Inborn genetic diseases. Last evaluated: 2022-07-30. Review status: criteria provided, single submitter. Criteria: Ambry Variant Classification Scheme 2023. Collection method: clinical testing. Allele origin: germline.
Comment: The c.531_533delTAA (p.N178del) alteration is located in exon 1 (coding exon 1) of the HOXA1 gene. This alteration consists of an in-frame deletion of 3 nucleotides between nucleotide positions c.531 and c.533, resulting in the deletion of <NA> residues. Based on insufficient or conflicting evidence, the clinical significance of this alteration remains unclear.

NM_005522.5(HOXA1):c.528TAA[1] (p.Asn178del)

Gene: HOXA1 (homeobox A1; minus strand). Cytogenetic location: 7p15.2.
Variant type: Microsatellite.
Coding change: c.528TAA[1] on transcript NM_005522.5 (MANE Select); one copy of the 3-base unit TAA starting at c.528; the reference has two copies in a row; one copy, 3 bases deleted.
Protein change: p.Asn178del; deletes asparagine 178.
Molecular consequence: inframe deletion. On other transcripts: intron variant (1).
Genome position (GRCh38, 1-based): chr7:27,095,380-27,095,382, TTA deleted on the plus strand (TAA on the coding strand, the reverse complement: HOXA1 is on the minus strand); deleting any 3 consecutive bases within chr7:27,095,380-27,095,386 gives the same sequence; the position shown is the placement nearest the transcript's 3' end. VCF-style (leftmost placement, unchanged base first): chr7-27095379-GTTA-G. GRCh37 (hg19) VCF-style: chr7-27134998-GTTA-G.
Other names: c.355-27_355-25del (NM_153620.3); short protein forms N178del.
Identifiers: ClinVar variation 2294890 (VCV002294890.2), dbSNP rs746895952, ClinGen allele CA4195924.
Genomic context (GRCh38, chr7:27,095,379, plus strand): 5'-TGTCTCCGATGCGGGGGAGCGACAGGCTTCTTGGTGGCTGGCGTGGAGAGGGGACAAGGA[GTTA>G]TTATACGTAGCCAGGGCCAGGCTCTGGTGCTCCTGTCCATATGAGTGGTGAATGTATTGA-3'